The following is an entry in ClinVar:

ClinVar aggregate classification (germline): Uncertain significance (1 of 4 stars; one submission).

Conditions:
Neuropathy, hereditary sensory, type 2C. Also called: KIF1A-Related HSAN2 (HSAN2C); Hereditary sensory and autonomic neuropathy type IIC. Identifiers: Orphanet 970, MedGen C3280168, MONDO:0013634, OMIM 614213.
Hereditary spastic paraplegia 30. Identifiers: Orphanet 101010, MedGen C5235139, MONDO:0012476.
Intellectual disability, autosomal dominant 9 (NESCAVS). Also called: KIF1A-Related Neurodevelopmental Disorder; NESCAV SYNDROME. Identifiers: Orphanet 662367, MedGen C5393830, MONDO:0013656, OMIM 614255.

Submission:

Labcorp Genetics (formerly Invitae), Labcorp
Classification: Uncertain significance for Hereditary spastic paraplegia 30; Neuropathy, hereditary sensory, type 2C; Intellectual disability, autosomal dominant 9. Last evaluated: 2025-04-10. Review status: criteria provided, single submitter. Criteria: Invitae Variant Classification Sherloc (09022015). Collection method: clinical testing. Allele origin: germline.
Comment: This sequence change replaces glycine, which is neutral and non-polar, with arginine, which is basic and polar, at codon 1363 of the KIF1A protein (p.Gly1363Arg). This variant is not present in population databases (gnomAD no frequency). This variant has not been reported in the literature in individuals affected with KIF1A-related conditions. Invitae Evidence Modeling of protein sequence and biophysical properties (such as structural, functional, and spatial information, amino acid conservation, physicochemical variation, residue mobility, and thermodynamic stability) indicates that this missense variant is not expected to disrupt KIF1A protein function with a negative predictive value of 95%. In summary, the available evidence is currently insufficient to determine the role of this variant in disease. Therefore, it has been classified as a Variant of Uncertain Significance.

NM_001244008.2(KIF1A):c.4390G>C (p.Gly1464Arg)

Gene: KIF1A (kinesin family member 1A; minus strand). Cytogenetic location: 2q37.3.
Variant type: single nucleotide variant.
Coding change: c.4390G>C on transcript NM_001244008.2 (MANE Select); coding-DNA position 4390, G replaced by C.
Protein change: p.Gly1464Arg; replaces glycine 1464 with arginine.
Molecular consequence: missense variant.
Genome position (GRCh38, 1-based): chr2:240,723,487, C>G on the plus strand (G>C on the coding strand, the complement: KIF1A is on the minus strand). VCF-style: chr2-240723487-C-G. GRCh37 (hg19) VCF-style: chr2-241662904-C-G.
Other names: c.4114G>C, p.Gly1372Arg (NM_001320705.2, NM_001379649.1); c.4141G>C, p.Gly1381Arg (NM_001330289.2); c.4189G>C, p.Gly1397Arg (NM_001330290.2, NM_001379648.1); c.4465G>C, p.Gly1489Arg (NM_001379631.1); c.4366G>C, p.Gly1456Arg (NM_001379632.1); c.4363G>C, p.Gly1455Arg (NM_001379633.1, NM_001379645.1); c.4216G>C, p.Gly1406Arg (NM_001379634.1); c.4213G>C, p.Gly1405Arg (NM_001379635.1, NM_001379646.1); and 7 more; short protein forms G1371R, G1381R, G1406R, G1464R, G1362R, G1372R, G1401R, G1456R.
Identifiers: ClinVar variation 4792644 (VCV004792644.1).